The following is an entry in ClinVar:

ClinVar aggregate classification (germline): Uncertain significance (1 of 4 stars; one submission).

Conditions:
Cohen syndrome (COH1). Also called: PEPPER SYNDROME; Cutis verticis gyrata, retinitis pigmentosa, and sensorineural deafness. Identifiers: Orphanet 193, MedGen C0265223, MONDO:0008999, OMIM 216550.

gnomAD v4.1: 1 of 1,614,066 alleles (0.000062%); highest among the groups gnomAD compares: South Asian, 0.0011%; no homozygotes.

Submission:

Labcorp Genetics (formerly Invitae), Labcorp
Classification: Uncertain significance for Cohen syndrome. Last evaluated: 2021-09-17. Review status: criteria provided, single submitter. Criteria: Invitae Variant Classification Sherloc (09022015). Collection method: clinical testing. Allele origin: germline.
Comment: This sequence change replaces cysteine with tyrosine at codon 1853 of the VPS13B protein (p.Cys1853Tyr). The cysteine residue is weakly conserved and there is a large physicochemical difference between cysteine and tyrosine. This variant is not present in population databases (ExAC no frequency). This variant has not been reported in the literature in individuals affected with VPS13B-related conditions. Algorithms developed to predict the effect of missense changes on protein structure and function are either unavailable or do not agree on the potential impact of this missense change (SIFT: "Not Available"; PolyPhen-2: "Benign"; Align-GVGD: "Not Available"). In summary, the available evidence is currently insufficient to determine the role of this variant in disease. Therefore, it has been classified as a Variant of Uncertain Significance.

NM_152564.5(VPS13B):c.5483G>A (p.Cys1828Tyr)

Gene: VPS13B (vacuolar protein sorting 13 homolog B; plus strand). Cytogenetic location: 8q22.2.
Variant type: single nucleotide variant.
Coding change: c.5483G>A on transcript NM_152564.5 (MANE Select); coding-DNA position 5483, G replaced by A.
Protein change: p.Cys1828Tyr; replaces cysteine 1828 with tyrosine.
Molecular consequence: missense variant.
Genome position (GRCh38, 1-based): chr8:99,642,073, G>A. VCF-style: chr8-99642073-G-A. GRCh37 (hg19) VCF-style: chr8-100654301-G-A.
Other names: c.5558G>A, p.Cys1853Tyr (NM_017890.5); short protein forms C1828Y, C1853Y.
Identifiers: ClinVar variation 1361619 (VCV001361619.5), dbSNP rs2133931825, ClinGen allele CA371872653.